The following is an entry in ClinVar:

ClinVar aggregate classification (germline): Uncertain significance (1 of 4 stars; one submission).

Conditions:
Primary ciliary dyskinesia. Also called: Ciliary dyskinesia. Identifiers: Orphanet 244, MedGen C0008780, MONDO:0016575, HP:0012265.

Allele frequency attached by ClinVar (database versions not stated): gnomAD exomes below 0.00001.
gnomAD v4.1: 2 of 1,613,808 alleles (0.00012%); highest among the groups gnomAD compares: Middle Eastern, 0.017%; no homozygotes.

Submission:

Labcorp Genetics (formerly Invitae), Labcorp
Classification: Uncertain significance for Primary ciliary dyskinesia. Last evaluated: 2022-11-08. Review status: criteria provided, single submitter. Criteria: Invitae Variant Classification Sherloc (09022015). Collection method: clinical testing. Allele origin: germline.
Comment: This sequence change replaces methionine, which is neutral and non-polar, with threonine, which is neutral and polar, at codon 962 of the DNAH8 protein (p.Met962Thr). In summary, the available evidence is currently insufficient to determine the role of this variant in disease. Therefore, it has been classified as a Variant of Uncertain Significance. Advanced modeling of protein sequence and biophysical properties (such as structural, functional, and spatial information, amino acid conservation, physicochemical variation, residue mobility, and thermodynamic stability) performed at Invitae indicates that this missense variant is not expected to disrupt DNAH8 protein function. ClinVar contains an entry for this variant (Variation ID: 1469911). This variant has not been reported in the literature in individuals affected with DNAH8-related conditions. This variant is not present in population databases (gnomAD no frequency).

NM_001206927.2(DNAH8):c.2885T>C (p.Met962Thr)

Gene: DNAH8 (dynein axonemal heavy chain 8; plus strand). Cytogenetic location: 6p21.2.
Variant type: single nucleotide variant.
Coding change: c.2885T>C on transcript NM_001206927.2 (MANE Select); coding-DNA position 2885, T replaced by C.
Protein change: p.Met962Thr; replaces methionine 962 with threonine.
Molecular consequence: missense variant.
Genome position (GRCh38, 1-based): chr6:38,791,658, T>C. VCF-style: chr6-38791658-T-C. GRCh37 (hg19) VCF-style: chr6-38759434-T-C.
Other names: c.2234T>C, p.Met745Thr (NM_001371.4); short protein forms M745T, M962T.
Identifiers: ClinVar variation 1469911 (VCV001469911.8), dbSNP rs1251689327, ClinGen allele CA363991534.